The following is an entry in ClinVar:

ClinVar aggregate classification (germline): Conflicting classifications of pathogenicity. Review status: criteria provided, conflicting classifications (1 of 4 stars). 6 submissions from 6 submitters: Uncertain significance (2); Likely benign (4). Last evaluated 2025-11-17.

Conditions:
Hereditary cancer-predisposing syndrome. Also called: Tumor predisposition; Hereditary Cancer Syndrome; Neoplastic Syndromes, Hereditary; Hereditary neoplastic syndrome. Identifiers: Orphanet 140162, MedGen C0027672, MeSH D009386, MONDO:0015356.
Familial cancer of breast. Also called: Hereditary breast cancer; hereditary breast carcinoma; BREAST CANCER, FAMILIAL. Identifiers: Orphanet 227535, MedGen C0346153, MONDO:0016419, OMIM 114480. Disease mechanism: loss of function.
Ataxia-telangiectasia syndrome (AT). Also called: Cerebello-oculocutaneous telangiectasia; Immunodeficiency with ataxia telangiectasia; Ataxia-telangiectasia, complementation group D; AT, COMPLEMENTATION GROUP C; Ataxia-telangiectasia, complementation group E; LOUIS-BAR SYNDROME. Identifiers: Orphanet 100, MedGen C0004135, MONDO:0008840, OMIM 208900.

Allele frequency attached by ClinVar (database versions not stated): gnomAD exomes below 0.00001 and 0.00001; gnomAD 0.00001; TOPMed 0.00001.
gnomAD v4.1: 3 of 1,613,198 alleles (0.00019%); highest among the groups gnomAD compares: Admixed American, 0.0033%; no homozygotes.

Submissions (6):

Labcorp Genetics (formerly Invitae), Labcorp
Classification: Likely benign for Ataxia-telangiectasia syndrome. Last evaluated: 2025-11-17. Review status: criteria provided, single submitter. Criteria: Invitae Variant Classification Sherloc (09022015). Collection method: clinical testing. Allele origin: germline.

ARUP Laboratories, Molecular Genetics and Genomics, ARUP Laboratories
Classification: Uncertain significance. Last evaluated: 2025-04-24. Review status: criteria provided, single submitter. Criteria: ARUP Molecular Germline Variant Investigation Process 2024. Collection method: clinical testing. Allele origin: germline.
Comment: The ATM c.2639-3T>C variant (rs1410247657), to our knowledge, is not reported in the medical literature but is reported in ClinVar (Variation ID: 453423). This variant is observed on two alleles in the Genome Aggregation Database (v2.1.1). This is an intronic variant and computational analyses (Alamut Visual Plus v.1.12) predict that this variant does not alter splicing. However, since the variant is located within the minimal splice region, the clinical significance of this variant is uncertain at this time.

Myriad Genetics, Inc.
Classification: Likely benign for Familial cancer of breast. Last evaluated: 2024-05-10. Review status: criteria provided, single submitter. Criteria: Myriad Autosomal Dominant, Autosomal Recessive and X-Linked Classification Criteria (2023). Collection method: clinical testing. Allele origin: unknown.
Comment: This variant is considered likely benign. This variant is intronic and is not expected to impact mRNA splicing.

Color Diagnostics, LLC DBA Color Health
Classification: Uncertain significance for Hereditary cancer-predisposing syndrome. Last evaluated: 2022-10-10. Review status: criteria provided, single submitter. Criteria: ACMG Guidelines, 2015. Collection method: clinical testing. Allele origin: germline.
Comment: This variant causes a T to C nucleotide substitution at the -3 position of intron 17 of the ATM gene. Splice site prediction tools suggest that this variant may not impact RNA splicing, although this prediction has not been confirmed in published RNA studies. To our knowledge, this variant has not been reported in individuals affected with hereditary cancer in the literature. This variant has been identified in 2/251010 chromosomes in the general population by the Genome Aggregation Database (gnomAD). The available evidence is insufficient to determine the role of this variant in disease conclusively. Therefore, this variant is classified as a Variant of Uncertain Significance.

Ambry Genetics
Classification: Likely benign for Hereditary cancer-predisposing syndrome. Last evaluated: 2020-03-30. Review status: criteria provided, single submitter. Criteria: Ambry Variant Classification Scheme 2023. Collection method: clinical testing. Allele origin: germline.

GeneDx
Classification: Likely benign. Last evaluated: 2018-07-16. Review status: criteria provided, single submitter. Criteria: GeneDx Variant Classification Process June 2021. Collection method: clinical testing. Allele origin: germline. Affected: yes.

NM_000051.4(ATM):c.2639-3T>C

Gene: ATM (ATM serine/threonine kinase; plus strand). Cytogenetic location: 11q22.3.
Variant type: single nucleotide variant.
Coding change: c.2639-3T>C on transcript NM_000051.4 (MANE Select); 3 bases into the intron before coding-DNA position 2639, T replaced by C.
Molecular consequence: intron variant.
Genome position (GRCh38, 1-based): chr11:108,268,407, T>C. VCF-style: chr11-108268407-T-C. GRCh37 (hg19) VCF-style: chr11-108139134-T-C.
Other names: c.2639-3T>C (NM_001351834.2).
Identifiers: ClinVar variation 453423 (VCV000453423.18), dbSNP rs1410247657, ClinGen allele CA602132630.